The following is an entry in ClinVar:

NM_001098484.3(SLC4A4):c.*272T>C

Gene: SLC4A4 (solute carrier family 4 member 4; plus strand). Cytogenetic location: 4q13.3.
Variant type: single nucleotide variant.
Coding change: c.*272T>C on transcript NM_001098484.3 (MANE Select); 272 bases downstream of the stop codon, T replaced by C.
Molecular consequence: 3 prime UTR variant.
Genome position (GRCh38, 1-based): chr4:71,568,023, T>C. VCF-style: chr4-71568023-T-C. GRCh37 (hg19) VCF-style: chr4-72433740-T-C.
Other names: c.*130T>C (NM_001134742.2); c.*272T>C (NM_003759.4).
Identifiers: ClinVar variation 905245 (VCV000905245.5), dbSNP rs142360815, ClinGen allele CA99475717.

ClinVar aggregate classification (germline): Likely benign. Review status: criteria provided, multiple submitters, no conflicts (2 of 4 stars). 2 submissions from 2 submitters: Likely benign (2). Last evaluated 2018-01-12.

Conditions:
Autosomal recessive proximal renal tubular acidosis (PRTAO). Also called: RENAL TUBULAR ACIDOSIS, PROXIMAL, WITH OCULAR ABNORMALITIES AND IMPAIRED INTELLECTUAL DEVELOPMENT; RENAL TUBULAR ACIDOSIS, PROXIMAL, WITH OCULAR ABNORMALITIES AND MENTAL RETARDATION; RTA, PROXIMAL, AUTOSOMAL RECESSIVE; PROXIMAL RENAL TUBULAR ACIDOSIS-OCULAR ANOMALY SYNDROME. Identifiers: Orphanet 93607, MedGen C1970309, MONDO:0011422, OMIM 604278.

Allele frequency attached by ClinVar (database versions not stated): 1000 Genomes Project 30x 0.00687; 1000 Genomes Project 0.00699; gnomAD 0.00942 and 0.00949; TOPMed 0.01041; gnomAD exomes 0.01042.

Submissions (2):

Illumina Laboratory Services, Illumina
Classification: Likely benign for Autosomal recessive proximal renal tubular acidosis. Last evaluated: 2018-01-12. Review status: criteria provided, single submitter. Criteria: ICSL Variant Classification Criteria 13 December 2019. Collection method: clinical testing. Allele origin: germline.
Comment: This variant was observed in the ICSL laboratory as part of a predisposition screen in an ostensibly healthy population. It had not been previously curated by ICSL or reported in the Human Gene Mutation Database (HGMD: prior to June 1st, 2018), and was therefore a candidate for classification through an automated scoring system. Utilizing variant allele frequency, disease prevalence and penetrance estimates, and inheritance mode, an automated score was calculated to assess if this variant is too frequent to cause the disease. Based on the score and internal cut-off values, a variant classified as likely benign is not then subjected to further curation. The score for this variant resulted in a classification of likely benign for this disease.

Breakthrough Genomics
Classification: Likely benign. Review status: criteria provided, single submitter. Criteria: ACMG Guidelines, 2015. Collection method: not provided. Allele origin: germline. Inheritance: Autosomal recessive inheritance. Affected: yes.